The following is an entry in ClinVar:

NM_020812.4(DOCK6):c.5691G>A (p.Thr1897=)

Gene: DOCK6 (dedicator of cytokinesis 6; minus strand). Cytogenetic location: 19p13.2.
Variant type: single nucleotide variant.
Coding change: c.5691G>A on transcript NM_020812.4 (MANE Select); coding-DNA position 5691, G replaced by A.
Protein change: p.Thr1897=; no amino-acid change (threonine 1897 retained).
Molecular consequence: synonymous variant.
Genome position (GRCh38, 1-based): chr19:11,201,050, C>T on the plus strand (G>A on the coding strand, the complement: DOCK6 is on the minus strand). VCF-style: chr19-11201050-C-T. GRCh37 (hg19) VCF-style: chr19-11311726-C-T.
Other names: c.5796G>A, p.Thr1932= (NM_001367830.1).
Identifiers: ClinVar variation 1938097 (VCV001938097.3), dbSNP rs759026232, ClinGen allele CA9206364.

ClinVar aggregate classification (germline): Uncertain significance (1 of 4 stars; one submission).

Allele frequency attached by ClinVar (database versions not stated): gnomAD exomes 0.00001; TOPMed 0.00002; ExAC 0.00003; gnomAD 0.00004.
gnomAD v4.1: 22 of 1,613,452 alleles (0.0014%); highest among the groups gnomAD compares: Middle Eastern, 0.016%; no homozygotes.

Submission:

Labcorp Genetics (formerly Invitae), Labcorp
Classification: Uncertain significance. Last evaluated: 2022-02-22. Review status: criteria provided, single submitter. Criteria: Invitae Variant Classification Sherloc (09022015). Collection method: clinical testing. Allele origin: germline.
Comment: This sequence change affects codon 1897 of the DOCK6 mRNA. It is a 'silent' change, meaning that it does not change the encoded amino acid sequence of the DOCK6 protein. This variant is present in population databases (rs759026232, gnomAD 0.008%). In summary, the available evidence is currently insufficient to determine the role of this variant in disease. Therefore, it has been classified as a Variant of Uncertain Significance. Algorithms developed to predict the effect of sequence changes on RNA splicing suggest that this variant may create or strengthen a splice site. This variant has not been reported in the literature in individuals affected with DOCK6-related conditions.